The following is an entry in ClinVar:

NM_000434.4(NEU1):c.913del (p.Arg305fs)

Gene: NEU1 (neuraminidase 1; minus strand). Cytogenetic location: 6p21.33.
Variant type: Deletion.
Coding change: c.913del on transcript NM_000434.4 (MANE Select); coding-DNA position 913, one base deleted (C; older notation c.913delC).
Protein change: p.Arg305fs; shifts the reading frame from arginine 305.
Molecular consequence: frameshift variant.
Genome position (GRCh38, 1-based): chr6:31,860,150, G deleted on the plus strand (C on the coding strand, the reverse complement: NEU1 is on the minus strand); the first of 4 consecutive G bases (chr6:31,860,150-31,860,153); deleting any one gives the same sequence. VCF-style (leftmost placement, unchanged base first): chr6-31860149-CG-C. GRCh37 (hg19) VCF-style: chr6-31827926-CG-C.
Other names: short protein forms R305fs.
Identifiers: ClinVar variation 2967133 (VCV002967133.3), dbSNP rs2481394872, ClinGen allele CA2740094283.

ClinVar aggregate classification (germline): Pathogenic (1 of 4 stars; one submission).

Submission:

Labcorp Genetics (formerly Invitae), Labcorp
Classification: Pathogenic. Last evaluated: 2024-01-31. Review status: criteria provided, single submitter. Criteria: Invitae Variant Classification Sherloc (09022015). Collection method: clinical testing. Allele origin: germline.
Comment: This sequence change creates a premature translational stop signal (p.Arg305Valfs*3) in the NEU1 gene. It is expected to result in an absent or disrupted protein product. Loss-of-function variants in NEU1 are known to be pathogenic (PMID: 11063730, 14517945). This variant is not present in population databases (gnomAD no frequency). This variant has not been reported in the literature in individuals affected with NEU1-related conditions. For these reasons, this variant has been classified as Pathogenic.

Literature cited by the submitters: PubMed 11063730; PubMed 14517945.